The following is an entry in ClinVar:

NM_001080517.3(SETD5):c.3904C>T (p.Pro1302Ser)

Gene: SETD5 (SET domain containing 5; plus strand). Cytogenetic location: 3p25.3.
Variant type: single nucleotide variant.
Coding change: c.3904C>T on transcript NM_001080517.3 (MANE Select); coding-DNA position 3904, C replaced by T.
Protein change: p.Pro1302Ser; replaces proline 1302 with serine.
Molecular consequence: missense variant.
Genome position (GRCh38, 1-based): chr3:9,475,666, C>T. VCF-style: chr3-9475666-C-T. GRCh37 (hg19) VCF-style: chr3-9517350-C-T.
Other names: c.3610C>T, p.Pro1204Ser (NM_001292043.2, NM_001349451.2); short protein forms P1302S, P1204S.
Identifiers: ClinVar variation 2088843 (VCV002088843.4), dbSNP rs2045784251, ClinGen allele CA351692284.
Genomic context (GRCh38, chr3:9,475,666, plus strand): 5'-GGAAACCCCCCCTCTCACGGTTCTTCAGAATCATCCCTCTCTTCCACGTCCTATTCCAGC[C>T]CCGCCCACCCTGTGTCCACAGACTCGTTGGCCCCATTTACGGGGACACCAGGGTATTTTA-3'
Protein context (NP_001073986.1, residues 1292-1312): SSLSSTSYSS[Pro1302Ser]AHPVSTDSLA

ClinVar aggregate classification (germline): Uncertain significance (1 of 4 stars; one submission).

Submission:

Labcorp Genetics (formerly Invitae), Labcorp
Classification: Uncertain significance. Last evaluated: 2022-01-21. Review status: criteria provided, single submitter. Criteria: Invitae Variant Classification Sherloc (09022015). Collection method: clinical testing. Allele origin: germline.
Comment: In summary, the available evidence is currently insufficient to determine the role of this variant in disease. Therefore, it has been classified as a Variant of Uncertain Significance. Algorithms developed to predict the effect of missense changes on protein structure and function are either unavailable or do not agree on the potential impact of this missense change (SIFT: "Tolerated"; PolyPhen-2: "Probably Damaging"; Align-GVGD: "Class C0"). This variant has not been reported in the literature in individuals affected with SETD5-related conditions. This variant is not present in population databases (gnomAD no frequency). This sequence change replaces proline, which is neutral and non-polar, with serine, which is neutral and polar, at codon 1302 of the SETD5 protein (p.Pro1302Ser).